The following is an entry in ClinVar:

ClinVar aggregate classification (germline): Likely benign (1 of 4 stars; one submission).

gnomAD v4.1: 1 of 1,614,020 alleles (0.000062%); highest among the groups gnomAD compares: Admixed American, 0.0017%; no homozygotes.

Submission:

CeGaT Center for Human Genetics Tuebingen
Classification: Likely benign. Last evaluated: 2024-07-01. Review status: criteria provided, single submitter. Criteria: CeGaT Center For Human Genetics Tuebingen Variant Classification Criteria Version 2. Collection method: clinical testing. Allele origin: germline. Affected: yes. Observed: 6 variant alleles.
Comment: SETD5: BP4, BP7

NM_001080517.3(SETD5):c.4179T>C (p.Ser1393=)

Gene: SETD5 (SET domain containing 5; plus strand). Cytogenetic location: 3p25.3.
Variant type: single nucleotide variant.
Coding change: c.4179T>C on transcript NM_001080517.3 (MANE Select); coding-DNA position 4179, T replaced by C.
Protein change: p.Ser1393=; no amino-acid change (serine 1393 retained).
Molecular consequence: synonymous variant.
Genome position (GRCh38, 1-based): chr3:9,475,941, T>C. VCF-style: chr3-9475941-T-C. GRCh37 (hg19) VCF-style: chr3-9517625-T-C.
Other names: c.3885T>C, p.Ser1295= (NM_001292043.2, NM_001349451.2).
Identifiers: ClinVar variation 2571173 (VCV002571173.27), dbSNP rs1166229860, ClinGen allele CA432528961.
Genomic context (GRCh38, chr3:9,475,941, plus strand): 5'-CTTTCCTCAGAACTCTAGGTCGTCATTGCCATCAGACTTACGGACTATCAGTCTGCCCAG[T>C]GCTGGGCAGTCAGCTGTCTACCAGGCCTCCAGGGTATCTGCGGTTTCCAATTCACAGCAC-3'
Protein context (NP_001073986.1, residues 1383-1403): PSDLRTISLP[Ser1393=]AGQSAVYQAS